The following is an entry in ClinVar:

NM_015450.3(POT1):c.562A>G (p.Arg188Gly)

Gene: POT1 (protection of telomeres 1; minus strand). Cytogenetic location: 7q31.33.
Variant type: single nucleotide variant.
Coding change: c.562A>G on transcript NM_015450.3 (MANE Select); coding-DNA position 562, A replaced by G.
Protein change: p.Arg188Gly; replaces arginine 188 with glycine.
Molecular consequence: missense variant. On other transcripts: non-coding transcript variant (3).
Genome position (GRCh38, 1-based): chr7:124,859,097, T>C on the plus strand (A>G on the coding strand, the complement: POT1 is on the minus strand). VCF-style: chr7-124859097-T-C. GRCh37 (hg19) VCF-style: chr7-124499151-T-C.
Other names: c.169A>G, p.Arg57Gly (NM_001042594.2); short protein forms R188G, R57G.
Identifiers: ClinVar variation 2854601 (VCV002854601.3), dbSNP rs764366150, ClinGen allele CA4465405.

ClinVar aggregate classification (germline): Uncertain significance (1 of 4 stars; one submission).

Conditions:
Tumor predisposition syndrome 3 (TPDS3). Also called: LONG TELOMERE SYNDROME, POT1-RELATED; POT1 Tumor Predisposition; Melanoma, cutaneous malignant, susceptibility to, 10; Glioma susceptibility 9. Identifiers: Orphanet 618, MedGen C4014476, MONDO:0014368, OMIM 615848.

Allele frequency attached by ClinVar (database versions not stated): gnomAD exomes below 0.00001; ExAC 0.00001.
gnomAD v4.1: 1 of 1,597,528 alleles (0.000063%); highest among the groups gnomAD compares: Non-Finnish European, 0.000085%; no homozygotes.

Submission:

Labcorp Genetics (formerly Invitae), Labcorp
Classification: Uncertain significance for Tumor predisposition syndrome 3. Last evaluated: 2023-06-28. Review status: criteria provided, single submitter. Criteria: Invitae Variant Classification Sherloc (09022015). Collection method: clinical testing. Allele origin: germline.
Comment: In summary, the available evidence is currently insufficient to determine the role of this variant in disease. Therefore, it has been classified as a Variant of Uncertain Significance. Advanced modeling of protein sequence and biophysical properties (such as structural, functional, and spatial information, amino acid conservation, physicochemical variation, residue mobility, and thermodynamic stability) performed at Invitae indicates that this missense variant is not expected to disrupt POT1 protein function. This variant has not been reported in the literature in individuals affected with POT1-related conditions. This variant is present in population databases (rs764366150, gnomAD 0.0009%). This sequence change replaces arginine, which is basic and polar, with glycine, which is neutral and non-polar, at codon 188 of the POT1 protein (p.Arg188Gly).